The following is an entry in ClinVar:

ClinVar aggregate classification (germline): Uncertain significance (1 of 4 stars; one submission).

Submission:

Labcorp Genetics (formerly Invitae), Labcorp
Classification: Uncertain significance. Last evaluated: 2023-12-25. Review status: criteria provided, single submitter. Criteria: Invitae Variant Classification Sherloc (09022015). Collection method: clinical testing. Allele origin: germline.
Comment: This sequence change replaces glutamic acid, which is acidic and polar, with valine, which is neutral and non-polar, at codon 2926 of the COL7A1 protein (p.Glu2926Val). This variant is not present in population databases (gnomAD no frequency). This variant has not been reported in the literature in individuals affected with COL7A1-related conditions. Advanced modeling of protein sequence and biophysical properties (such as structural, functional, and spatial information, amino acid conservation, physicochemical variation, residue mobility, and thermodynamic stability) has been performed at Invitae for this missense variant, however the output from this modeling did not meet the statistical confidence thresholds required to predict the impact of this variant on COL7A1 protein function. In summary, the available evidence is currently insufficient to determine the role of this variant in disease. Therefore, it has been classified as a Variant of Uncertain Significance.

NM_000094.4(COL7A1):c.8777A>T (p.Glu2926Val)

Gene: COL7A1 (collagen type VII alpha 1 chain; minus strand). Cytogenetic location: 3p21.31.
Variant type: single nucleotide variant.
Coding change: c.8777A>T on transcript NM_000094.4 (MANE Select); coding-DNA position 8777, A replaced by T.
Protein change: p.Glu2926Val; replaces glutamic acid 2926 with valine.
Molecular consequence: missense variant.
Genome position (GRCh38, 1-based): chr3:48,564,824, T>A on the plus strand (A>T on the coding strand, the complement: COL7A1 is on the minus strand). VCF-style: chr3-48564824-T-A. GRCh37 (hg19) VCF-style: chr3-48602257-T-A.
Other names: short protein forms E2926V.
Identifiers: ClinVar variation 2705555 (VCV002705555.3), dbSNP rs2530795252, ClinGen allele CA352632684.
Genomic context (GRCh38, chr3:48,564,824, plus strand): 5'-GTGGGGGCTCAGCCCATACCTGTCCCCTGGCTCTGGACCACCCGGGGTGGGCAGCGGCGC[T>A]CGCAGGCCTCACGGGTCCCAAAACGGTTGGCATTCCCTCCACAGCCACCATAGACAAAAG-3'
Protein context (NP_000085.1, residues 2916-2936): ANRFGTREAC[Glu2926Val]RRCPPRVVQS